The following is an entry in ClinVar:

ClinVar aggregate classification (germline): Uncertain significance (1 of 4 stars; one submission).

Allele frequency attached by ClinVar (database versions not stated): gnomAD exomes below 0.00001.
gnomAD v4.1: 7 of 1,614,170 alleles (0.00043%); highest among the groups gnomAD compares: Non-Finnish European, 0.00059%; no homozygotes.

Submission:

Labcorp Genetics (formerly Invitae), Labcorp
Classification: Uncertain significance. Last evaluated: 2023-04-24. Review status: criteria provided, single submitter. Criteria: Invitae Variant Classification Sherloc (09022015). Collection method: clinical testing. Allele origin: germline.
Comment: This variant is not present in population databases (gnomAD no frequency). In summary, the available evidence is currently insufficient to determine the role of this variant in disease. Therefore, it has been classified as a Variant of Uncertain Significance. An algorithm developed to predict the effect of missense changes on protein structure and function (PolyPhen-2) suggests that this variant is likely to be tolerated. This variant has not been reported in the literature in individuals affected with ACVR1-related conditions. This sequence change replaces glutamic acid, which is acidic and polar, with lysine, which is basic and polar, at codon 92 of the ACVR1 protein (p.Glu92Lys).

NM_001111067.4(ACVR1):c.274G>A (p.Glu92Lys)

Gene: ACVR1 (activin A receptor type 1; minus strand). Cytogenetic location: 2q24.1.
Variant type: single nucleotide variant.
Coding change: c.274G>A on transcript NM_001111067.4 (MANE Select); coding-DNA position 274, G replaced by A.
Protein change: p.Glu92Lys; replaces glutamic acid 92 with lysine.
Molecular consequence: missense variant.
Genome position (GRCh38, 1-based): chr2:157,780,394, C>T on the plus strand (G>A on the coding strand, the complement: ACVR1 is on the minus strand). VCF-style: chr2-157780394-C-T. GRCh37 (hg19) VCF-style: chr2-158636906-C-T.
Other names: c.274G>A, p.Glu92Lys (NM_001105.5, NM_001347663.1, NM_001347664.1 and 3 more transcripts); short protein forms E92K.
Identifiers: ClinVar variation 3021814 (VCV003021814.3), dbSNP rs2467966984, ClinGen allele CA349193516.